The following is an entry in ClinVar:

ClinVar aggregate classification (germline): Uncertain significance (1 of 4 stars; one submission).

gnomAD v4.1: 3 of 1,614,194 alleles (0.00019%); highest among the groups gnomAD compares: Non-Finnish European, 0.00025%; no homozygotes.

Submission:

Labcorp Genetics (formerly Invitae), Labcorp
Classification: Uncertain significance. Last evaluated: 2022-07-10. Review status: criteria provided, single submitter. Criteria: Invitae Variant Classification Sherloc (09022015). Collection method: clinical testing. Allele origin: germline.
Comment: This sequence change replaces threonine, which is neutral and polar, with asparagine, which is neutral and polar, at codon 99 of the FBXL4 protein (p.Thr99Asn). This variant is present in population databases (no rsID available, gnomAD 0.0009%). This variant has not been reported in the literature in individuals affected with FBXL4-related conditions. Advanced modeling of protein sequence and biophysical properties (such as structural, functional, and spatial information, amino acid conservation, physicochemical variation, residue mobility, and thermodynamic stability) performed at Invitae indicates that this missense variant is expected to disrupt FBXL4 protein function. In summary, the available evidence is currently insufficient to determine the role of this variant in disease. Therefore, it has been classified as a Variant of Uncertain Significance.

NM_001278716.2(FBXL4):c.296C>A (p.Thr99Asn)

Gene: FBXL4 (F-box and leucine rich repeat protein 4; minus strand). Cytogenetic location: 6q16.2.
Variant type: single nucleotide variant.
Coding change: c.296C>A on transcript NM_001278716.2 (MANE Select); coding-DNA position 296, C replaced by A.
Protein change: p.Thr99Asn; replaces threonine 99 with asparagine.
Molecular consequence: missense variant. On other transcripts: non-coding transcript variant (2).
Genome position (GRCh38, 1-based): chr6:98,926,693, G>T on the plus strand (C>A on the coding strand, the complement: FBXL4 is on the minus strand). VCF-style: chr6-98926693-G-T. GRCh37 (hg19) VCF-style: chr6-99374569-G-T.
Other names: c.296C>A, p.Thr99Asn (NM_012160.5); short protein forms T99N.
Identifiers: ClinVar variation 1901598 (VCV001901598.2), dbSNP rs897845720, ClinGen allele CA16021230.